The following is an entry in ClinVar:

NM_001378454.1(ALMS1):c.4329G>T (p.Leu1443Phe)

Gene: ALMS1 (ALMS1 centrosome and basal body associated protein; plus strand). Cytogenetic location: 2p13.1.
Variant type: single nucleotide variant.
Coding change: c.4329G>T on transcript NM_001378454.1 (MANE Select); coding-DNA position 4329, G replaced by T.
Protein change: p.Leu1443Phe; replaces leucine 1443 with phenylalanine.
Molecular consequence: missense variant.
Genome position (GRCh38, 1-based): chr2:73,450,856, G>T. VCF-style: chr2-73450856-G-T. GRCh37 (hg19) VCF-style: chr2-73677983-G-T.
Other names: c.4332G>T, p.Leu1444Phe (NM_015120.4); short protein forms L1444F, L1443F.
Identifiers: ClinVar variation 240996 (VCV000240996.47), dbSNP rs192499639, ClinGen allele CA1713690.
Genomic context (GRCh38, chr2:73,450,856, plus strand): 5'-TTTACCCTCTACTTTCTACTCACACACAGAGAAGCCTGGTAGTTTCTACCAACAGGTCTT[G>T]CCACATAGTCATCTACCTGAAGAGGCTTTGGAAGTTTCAGTTGCTCCTGGACCAGTTGAC-3'
Protein context (NP_001365383.1, residues 1433-1453): EKPGSFYQQV[Leu1443Phe]PHSHLPEEAL

ClinVar aggregate classification (germline): Conflicting classifications of pathogenicity. Review status: criteria provided, conflicting classifications (1 of 4 stars). 11 submissions from 11 submitters: Uncertain significance (1); Likely benign (6). 4 of the submissions do not count toward it. Last evaluated 2026-06-01.

Conditions:
Cardiovascular phenotype. Identifiers: MedGen CN230736.
Alstrom syndrome (ALMS). Identifiers: Orphanet 64, MedGen C0268425, MONDO:0008763, OMIM 203800.

Allele frequency attached by ClinVar (database versions not stated): gnomAD exomes 0.00015 and 0.00065; gnomAD 0.00036 and 0.00048; TOPMed 0.00049; ExAC 0.00061; 1000 Genomes Project 0.00200; 1000 Genomes Project 30x 0.00203.
gnomAD v4.1: 351 of 1,614,120 alleles (0.022%); highest among the groups gnomAD compares: East Asian, 0.48%; no homozygotes.

Submissions (11):

CeGaT Center for Human Genetics Tuebingen
Classification: Likely benign. Last evaluated: 2026-06-01. Review status: criteria provided, single submitter. Criteria: CeGaT Center For Human Genetics Tuebingen Variant Classification Criteria Version 2. Collection method: clinical testing. Allele origin: germline. Affected: yes. Observed: 2 variant alleles.
Comment: ALMS1: BP4, BS1

Labcorp Genetics (formerly Invitae), Labcorp
Classification: Likely benign for Alstrom syndrome. Last evaluated: 2026-01-28. Review status: criteria provided, single submitter. Criteria: Invitae Variant Classification Sherloc (09022015). Collection method: clinical testing. Allele origin: germline.

Blueprint Genetics
Classification: Likely benign. Last evaluated: 2024-10-21. Review status: criteria provided, single submitter. Criteria: ACMG Guidelines, 2015. Collection method: clinical testing. Allele origin: germline.

Women's Health and Genetics/Laboratory Corporation of America, LabCorp
Classification: Likely benign. Last evaluated: 2023-07-17. Review status: criteria provided, single submitter. Criteria: LabCorp Variant Classification Summary - May 2015. Collection method: clinical testing. Allele origin: germline.
Comment: Variant summary: ALMS1 c.4326G>T (p.Leu1442Phe) results in a non-conservative amino acid change in the encoded protein sequence. Four of five in-silico tools predict a benign effect of the variant on protein function. The variant allele was found at a frequency of 0.00065 in 249200 control chromosomes, predominantly at a frequency of 0.0082 within the East Asian subpopulation in the gnomAD database. The observed variant frequency within East Asian control individuals in the gnomAD database is approximately 4 fold of the estimated maximal expected allele frequency for a pathogenic variant in ALMS1 causing Cardiomyopathy phenotype (0.0022), strongly suggesting that the variant is a benign polymorphism found primarily in populations of East Asian origin. Five submitters have cited clinical-significance assessments for this variant to ClinVar after 2014 and classified the variant as likely benign (n=4) and VUS (n=1). Based on the evidence outlined above, the variant was classified as likely benign.

Ambry Genetics
Classification: Likely benign for Cardiovascular phenotype. Last evaluated: 2021-06-10. Review status: criteria provided, single submitter. Criteria: Ambry Variant Classification Scheme 2023. Collection method: clinical testing. Allele origin: germline.

GeneDx
Classification: Likely benign. Last evaluated: 2020-04-15. Review status: criteria provided, single submitter. Criteria: GeneDx Variant Classification Process June 2021. Collection method: clinical testing. Allele origin: germline. Affected: yes.

Phosphorus, Inc.
Classification: Uncertain significance for Alstrom syndrome. Last evaluated: 2017-08-01. Review status: criteria provided, single submitter. Criteria: ACMG Guidelines, 2015. Collection method: clinical testing. Allele origin: germline. Observed: 1 variant allele.

Natera, Inc.
Classification: Likely benign for Alstrom syndrome. Last evaluated: 2020-09-16. Review status: no assertion criteria provided. Collection method: clinical testing. Allele origin: germline. Not counted in ClinVar's aggregate classification.

Clinical Genetics DNA and cytogenetics Diagnostics Lab, Erasmus MC, Erasmus Medical Center
Classification: Likely benign. Review status: no assertion criteria provided. Collection method: clinical testing. Allele origin: germline. Affected: yes. Study: VKGL Data-share Consensus. Not counted in ClinVar's aggregate classification.

Clinical Genetics, Academic Medical Center
Classification: Likely benign. Review status: no assertion criteria provided. Collection method: clinical testing. Allele origin: germline. Affected: yes. Study: VKGL Data-share Consensus. Not counted in ClinVar's aggregate classification.

Genome Diagnostics Laboratory, University Medical Center Utrecht
Classification: Likely benign. Review status: no assertion criteria provided. Collection method: clinical testing. Allele origin: germline. Affected: yes. Study: VKGL Data-share Consensus. Not counted in ClinVar's aggregate classification.